The following is an entry in ClinVar:

NM_001382391.1(CSPP1):c.3331-37G>A

Genes: ARFGEF1 (ARF guanine nucleotide exchange factor 1; minus strand), CSPP1 (centrosome and spindle pole associated protein 1; plus strand). Cytogenetic location: 8q13.2.
Variant type: single nucleotide variant.
Coding change: c.3331-37G>A on transcript NM_001382391.1 (MANE Select); 37 bases into the intron before coding-DNA position 3331, G replaced by A.
Molecular consequence: intron variant.
Genome position (GRCh38, 1-based): chr8:67,193,427, G>A. VCF-style: chr8-67193427-G-A. GRCh37 (hg19) VCF-style: chr8-68105662-G-A.
Other names: c.3316-1955G>A (NM_001438331.1); c.3163-37G>A (NM_001438330.1); c.3217-37G>A (NM_001364870.1); c.2632-37G>A (NM_001438332.1); c.2281-37G>A (NM_001291339.2); c.5367+6969C>T (NM_001413186.1); c.5385+6969C>T (NM_001413187.1); c.3316-37G>A (NM_024790.7); and 4 more.
Identifiers: ClinVar variation 679630 (VCV000679630.1), dbSNP rs200817546, ClinGen allele CA4771140.

ClinVar aggregate classification (germline): Likely benign (1 of 4 stars; one submission).

Allele frequency attached by ClinVar (database versions not stated): gnomAD 0.00072 and 0.00001; gnomAD exomes 0.00265 and 0.00129; 1000 Genomes Project 30x 0.00531; TOPMed 0.00013; ExAC 0.00329; 1000 Genomes Project 0.00499.
gnomAD v4.1: 1,966 of 1,590,072 alleles (0.12%); highest among the groups gnomAD compares: South Asian, 2.1%; 47 homozygotes.

Submission:

GeneDx
Classification: Likely benign. Last evaluated: 2018-06-14. Review status: criteria provided, single submitter. Criteria: GeneDx Variant Classification (06012015). Collection method: clinical testing. Allele origin: germline. Affected: yes.
Comment: This variant is considered likely benign or benign based on one or more of the following criteria: it is a conservative change, it occurs at a poorly conserved position in the protein, it is predicted to be benign by multiple in silico algorithms, and/or has population frequency not consistent with disease.